The following is an entry in ClinVar:

ClinVar aggregate classification (germline): Uncertain significance. Review status: criteria provided, multiple submitters, no conflicts (2 of 4 stars). 4 submissions from 4 submitters: Uncertain significance (3). 1 of the submissions does not count toward it. Last evaluated 2026-05-29.

Conditions:
TOPORS-related disorder. Also called: TOPORS-related condition.
Retinal dystrophy. Also called: Inherited retinal dystrophy. Identifiers: Orphanet 71862, MedGen C0854723, MeSH D058499, MONDO:0019118, HP:0000556.

Allele frequency attached by ClinVar (database versions not stated): gnomAD 0.00004; ExAC 0.00005; TOPMed 0.00005.

Submissions (4):

PreventionGenetics, part of Exact Sciences
Classification: Uncertain significance for TOPORS-related condition. Last evaluated: 2026-05-29. Review status: criteria provided, single submitter. Criteria: ACMG Guidelines, 2015. Collection method: clinical testing. Allele origin: germline.
Comment: The TOPORS c.17C>T variant is predicted to result in the amino acid substitution p.Pro6Leu. To our knowledge, this variant has not been reported in the literature. This variant is reported in 0.0067% of alleles in individuals of European (Non-Finnish) descent in gnomAD. At this time, the clinical significance of this variant is uncertain due to the absence of conclusive functional and genetic evidence.

Labcorp Genetics (formerly Invitae), Labcorp
Classification: Uncertain significance. Last evaluated: 2025-08-20. Review status: criteria provided, single submitter. Criteria: Invitae Variant Classification Sherloc (09022015). Collection method: clinical testing. Allele origin: germline.
Comment: This sequence change replaces proline, which is neutral and non-polar, with leucine, which is neutral and non-polar, at codon 6 of the TOPORS protein (p.Pro6Leu). This variant is present in population databases (rs775421403, gnomAD 0.007%). This missense change has been observed in individuals with clinical features of retinitis pigmentosa (internal data). ClinVar contains an entry for this variant (Variation ID: 432596). An algorithm developed to predict the effect of missense changes on protein structure and function outputs the following: PolyPhen-2: "Probably Damaging". The leucine amino acid residue is found in multiple mammalian species, which suggests that this missense change does not adversely affect protein function. In summary, the available evidence is currently insufficient to determine the role of this variant in disease. Therefore, it has been classified as a Variant of Uncertain Significance.

GeneDx
Classification: Uncertain significance. Last evaluated: 2017-06-16. Review status: criteria provided, single submitter. Criteria: GeneDx Variant Classification (06012015). Collection method: clinical testing. Allele origin: germline. Affected: yes.
Comment: The P6L variant in the TOPORS gene has not been reported previously as a pathogenic variant, nor as a benign variant, to our knowledge. The P6L variant is not observed at a significant frequency in large population cohorts (Lek et al., 2016; 1000 Genomes Consortium et al., 2015; Exome Variant Server). The P6L variant is a semi-conservative amino acid substitution, which may impact secondary protein structure as these residues differ in some properties. This substitution occurs at a position that is conserved in mammals. In silico analysis is inconsistent in its predictions as to whether or not the variant is damaging to the protein structure/function. We interpret P6L as a variant of uncertain significance.

Institute of Human Genetics, Univ. Regensburg, Univ. Regensburg
Classification: Uncertain significance for Retinal dystrophy. Last evaluated: 2022-01-01. Review status: no assertion criteria provided. Criteria: ACMG Guidelines, 2015. Collection method: clinical testing. Allele origin: germline. Affected: yes. Not counted in ClinVar's aggregate classification.

NM_005802.5(TOPORS):c.17C>T (p.Pro6Leu)

Gene: TOPORS (TOP1 binding arginine/serine rich protein, E3 ubiquitin ligase; minus strand). Cytogenetic location: 9p21.1.
Variant type: single nucleotide variant.
Coding change: c.17C>T on transcript NM_005802.5 (MANE Select); coding-DNA position 17, C replaced by T.
Protein change: p.Pro6Leu; replaces proline 6 with leucine.
Molecular consequence: missense variant. On other transcripts: intron variant (1).
Genome position (GRCh38, 1-based): chr9:32,550,955, G>A on the plus strand (C>T on the coding strand, the complement: TOPORS is on the minus strand). VCF-style: chr9-32550955-G-A. GRCh37 (hg19) VCF-style: chr9-32550953-G-A.
Other names: c.3+1479C>T (NM_001195622.2); short protein forms P6L.
Identifiers: ClinVar variation 432596 (VCV000432596.14), dbSNP rs775421403, ClinGen allele CA5020748.